The following is an entry in ClinVar:

ClinVar aggregate classification (germline): Uncertain significance. Review status: criteria provided, multiple submitters, no conflicts (2 of 4 stars). 3 submissions from 3 submitters: Uncertain significance (3). Last evaluated 2024-06-28.

Conditions:
Hereditary cancer-predisposing syndrome. Also called: Neoplastic Syndromes, Hereditary; Tumor predisposition; Hereditary Cancer Syndrome; Hereditary neoplastic syndrome. Identifiers: Orphanet 140162, MedGen C0027672, MeSH D009386, MONDO:0015356.
Familial adenomatous polyposis 1 (FAP1). Also called: FAMILIAL ADENOMATOUS POLYPOSIS 1, ATTENUATED; POLYPOSIS, ADENOMATOUS INTESTINAL. Identifiers: MedGen C2713442, MONDO:0021056, OMIM 175100. Disease mechanism: loss of function.

Allele frequency attached by ClinVar (database versions not stated): gnomAD exomes below 0.00001; ExAC 0.00001.
gnomAD v4.1: 2 of 1,614,062 alleles (0.00012%); highest among the groups gnomAD compares: Non-Finnish European, 0.000085%; no homozygotes.

Submissions (3):

Women's Health and Genetics/Laboratory Corporation of America, LabCorp
Classification: Uncertain significance. Last evaluated: 2024-06-28. Review status: criteria provided, single submitter. Criteria: LabCorp Variant Classification Summary - May 2015. Collection method: clinical testing. Allele origin: germline.
Comment: Variant summary: APC c.6211A>G (p.Ile2071Val) results in a conservative amino acid change in the encoded protein sequence. Five of five in-silico tools predict a benign effect of the variant on protein function. The variant allele was found at a frequency of 4e-06 in 250708 control chromosomes (gnomAD). The available data on variant occurrences in the general population are insufficient to allow any conclusion about variant significance. c.6211A>G has not been reported in the literature in individuals affected with APC-related conditions. To our knowledge, no experimental evidence demonstrating an impact on protein function has been reported. The following publication has been ascertained in the context of this evaluation (PMID: 31703593). ClinVar contains an entry for this variant (Variation ID: 482422). Based on the evidence outlined above, the variant was classified as uncertain significance.

Labcorp Genetics (formerly Invitae), Labcorp
Classification: Uncertain significance for Familial adenomatous polyposis 1. Last evaluated: 2024-06-22. Review status: criteria provided, single submitter. Criteria: Invitae Variant Classification Sherloc (09022015). Collection method: clinical testing. Allele origin: germline.
Comment: This sequence change replaces isoleucine, which is neutral and non-polar, with valine, which is neutral and non-polar, at codon 2071 of the APC protein (p.Ile2071Val). This variant is present in population databases (rs761015023, gnomAD 0.0009%). This variant has not been reported in the literature in individuals affected with APC-related conditions. ClinVar contains an entry for this variant (Variation ID: 482422). Advanced modeling of protein sequence and biophysical properties (such as structural, functional, and spatial information, amino acid conservation, physicochemical variation, residue mobility, and thermodynamic stability) performed at Invitae indicates that this missense variant is not expected to disrupt APC protein function with a negative predictive value of 95%. In summary, the available evidence is currently insufficient to determine the role of this variant in disease. Therefore, it has been classified as a Variant of Uncertain Significance.

Ambry Genetics
Classification: Uncertain significance for Hereditary cancer-predisposing syndrome. Last evaluated: 2023-08-07. Review status: criteria provided, single submitter. Criteria: Ambry Variant Classification Scheme 2023. Collection method: clinical testing. Allele origin: germline.
Comment: The p.I2071V variant (also known as c.6211A>G), located in coding exon 15 of the APC gene, results from an A to G substitution at nucleotide position 6211. The isoleucine at codon 2071 is replaced by valine, an amino acid with highly similar properties. This amino acid position is not well conserved in available vertebrate species. In addition, in silico predictors for this gene do not accurately predict pathogenicity. Since supporting evidence is limited at this time, the clinical significance of this alteration remains unclear.

Literature cited by the submitters: PubMed 31703593 (cited by Women's Health and Genetics/Laboratory Corporation of America, LabCorp).

NM_000038.6(APC):c.6211A>G (p.Ile2071Val)

Gene: APC (APC regulator of Wnt signaling pathway; plus strand). Cytogenetic location: 5q22.2.
Variant type: single nucleotide variant.
Coding change: c.6211A>G on transcript NM_000038.6 (MANE Select); coding-DNA position 6211, A replaced by G.
Protein change: p.Ile2071Val; replaces isoleucine 2071 with valine.
Molecular consequence: missense variant.
Genome position (GRCh38, 1-based): chr5:112,841,805, A>G. VCF-style: chr5-112841805-A-G. GRCh37 (hg19) VCF-style: chr5-112177502-A-G.
Other names: c.6211A>G, p.Ile2071Val (NM_001127510.3, NM_001354895.2); c.6157A>G, p.Ile2053Val (NM_001127511.3); c.6265A>G, p.Ile2089Val (NM_001354896.2); c.6241A>G, p.Ile2081Val (NM_001354897.2); c.6136A>G, p.Ile2046Val (NM_001354898.2); c.6127A>G, p.Ile2043Val (NM_001354899.2); c.6088A>G, p.Ile2030Val (NM_001354900.2); c.6034A>G, p.Ile2012Val (NM_001354901.2); and 5 more; short protein forms I2071V, I2053V, I1788V, I1911V, I1945V, I1970V, I2081V, I2043V.
Identifiers: ClinVar variation 482422 (VCV000482422.14), dbSNP rs761015023, ClinGen allele CA044093.